The following is an entry in ClinVar:

NM_001943.5(DSG2):c.2991T>A (p.Gly997=)

Genes: DSG2 (desmoglein 2; plus strand), DSG2-AS1 (DSG2 antisense RNA 1; minus strand). Cytogenetic location: 18q12.1.
Variant type: single nucleotide variant.
Coding change: c.2991T>A on transcript NM_001943.5 (MANE Select); coding-DNA position 2991, T replaced by A.
Protein change: p.Gly997=; no amino-acid change (glycine 997 retained).
Molecular consequence: synonymous variant.
Genome position (GRCh38, 1-based): chr18:31,546,377, T>A. VCF-style: chr18-31546377-T-A. GRCh37 (hg19) VCF-style: chr18-29126340-T-A.
Identifiers: ClinVar variation 629728 (VCV000629728.12), dbSNP rs765129273, ClinGen allele CA047659.

ClinVar aggregate classification (germline): Likely benign. Review status: criteria provided, multiple submitters, no conflicts (2 of 4 stars). 4 submissions from 4 submitters: Likely benign (3). 1 of the submissions does not count toward it. Last evaluated 2025-11-24.

Conditions:
Arrhythmogenic right ventricular dysplasia 10. Also called: Arrhythmogenic Right Ventricular Dysplasia/Cardiomyopathy10; ARRHYTHMOGENIC RIGHT VENTRICULAR DYSPLASIA, FAMILIAL, 10; Arrhythmogenic right ventricular dysplasia/cardiomyopathy, type 10. Identifiers: MedGen C1857777, MONDO:0012434, OMIM 610193.
DSG2-related disorder. Also called: DSG2-related condition.
Cardiomyopathy (CMYO). Also called: Cardiomyopathies. Identifiers: Orphanet 167848, MedGen C0878544, MONDO:0004994, HP:0001638. Inheritance: Various modes of inheritance.

Allele frequency attached by ClinVar (database versions not stated): gnomAD exomes below 0.00001; TOPMed below 0.00001; ExAC 0.00001; gnomAD 0.00001.
gnomAD v4.1: 3 of 1,613,986 alleles (0.00019%); highest among the groups gnomAD compares: South Asian, 0.0011%; no homozygotes.

Submissions (4):

Labcorp Genetics (formerly Invitae), Labcorp
Classification: Likely benign for Arrhythmogenic right ventricular dysplasia 10. Last evaluated: 2025-11-24. Review status: criteria provided, single submitter. Criteria: Invitae Variant Classification Sherloc (09022015). Collection method: clinical testing. Allele origin: germline.

Molecular Diagnostic Laboratory for Inherited Cardiovascular Disease, Montreal Heart Institute
Classification: Likely benign. Last evaluated: 2025-07-24. Review status: criteria provided, single submitter. Criteria: ACMG Guidelines, 2015. Collection method: clinical testing. Allele origin: germline. Affected: no.
Comment: BP7

Color Diagnostics, LLC DBA Color Health
Classification: Likely benign for Cardiomyopathy. Last evaluated: 2018-10-17. Review status: criteria provided, single submitter. Criteria: ACMG Guidelines, 2015. Collection method: clinical testing. Allele origin: germline.

PreventionGenetics, part of Exact Sciences
Classification: Likely benign for DSG2-related condition. Last evaluated: 2024-09-04. Review status: no assertion criteria provided. Collection method: clinical testing. Allele origin: germline. Not counted in ClinVar's aggregate classification.
Comment: This variant is classified as likely benign based on ACMG/AMP sequence variant interpretation guidelines (Richards et al. 2015 PMID: 25741868, with internal and published modifications).